The following is an entry in ClinVar:

ClinVar aggregate classification (germline): Likely benign. Review status: criteria provided, multiple submitters, no conflicts (2 of 4 stars). 2 submissions from 2 submitters: Likely benign (2). Last evaluated 2026-01-12.

Conditions:
MOCS2-related disorder. Also called: MOCS2-related condition.

Submissions (3):

Labcorp Genetics (formerly Invitae), Labcorp
Classification: Likely benign. Last evaluated: 2026-01-12. Review status: criteria provided, single submitter. Criteria: Invitae Variant Classification Sherloc (09022015). Collection method: clinical testing. Allele origin: germline.

PreventionGenetics, part of Exact Sciences
Classification: Likely benign for MOCS2-related condition. Last evaluated: 2025-09-24. Review status: criteria provided, single submitter. Criteria: ACMG Guidelines, 2015. Collection method: clinical testing. Allele origin: germline.
Comment: This variant is classified as likely benign based on ACMG/AMP sequence variant interpretation guidelines (Richards et al. 2015 PMID: 25741868, with internal and published modifications).

Dr. Peter K. Rogan Lab, Western University
No classification provided (evidence only). Condition: Nonpapillary renal cell carcinoma. Review status: no classification provided. Collection method: in vitro. Allele origin: not applicable. Functional consequence: retained intron. Not counted in ClinVar's aggregate classification.

NM_004531.5(MOCS2):c.99-8_99-5del

Gene: MOCS2 (molybdenum cofactor synthesis 2; minus strand). Cytogenetic location: 5q11.2.
Variant type: Deletion.
Coding change: c.99-8_99-5del on transcript NM_004531.5 (MANE Select); 8 bases into the intron before coding-DNA position 99 through 5 bases into the intron before coding-DNA position 99, 4 bases deleted (ATTT; older notation c.99-8_99-5delATTT).
Molecular consequence: intron variant.
Genome position (GRCh38, 1-based): chr5:53,102,229-53,102,232, AAAT deleted on the plus strand (ATTT on the coding strand, the reverse complement: MOCS2 is on the minus strand); deleting any 4 consecutive bases within chr5:53,102,229-53,102,234 gives the same sequence; the c. name uses the placement nearest the transcript's 3' end. VCF-style (leftmost placement, unchanged base first): chr5-53102228-GAAAT-G. GRCh37 (hg19) VCF-style: chr5-52398058-GAAAT-G.
Other names: NC_000005.9:g.52398061_52398064del; c.*19-8_*19-5del (NM_176806.4); c.99-10_99-7del (NM_004531.5); c.99-8_99-5delATTT (NM_004531.4).
Identifiers: ClinVar variation 353880 (VCV000353880.15), dbSNP rs779872271, ClinGen allele CA3263719.